The following is an entry in ClinVar:

ClinVar aggregate classification (germline): Pathogenic/Likely pathogenic. Review status: criteria provided, multiple submitters, no conflicts (2 of 4 stars). 2 submissions from 2 submitters: Pathogenic (1); Likely pathogenic (1). Last evaluated 2021-10-25.

Conditions:
Renpenning syndrome. Also called: GOLABI-ITO-HALL SYNDROME; Mental retardation, X-linked Renpenning type; X-linked mental retardation with spastic diplegia; X-linked mental retardation syndromic 3; Sutherland-Haan syndrome; SUTHERLAND-HAAN X-LINKED MENTAL RETARDATION SYNDROME. Identifiers: Orphanet 3242, MedGen C0796135, MONDO:0010653, OMIM 309500.

Submissions (2):

Labcorp Genetics (formerly Invitae), Labcorp
Classification: Likely pathogenic. Last evaluated: 2021-10-25. Review status: criteria provided, single submitter. Criteria: Invitae Variant Classification Sherloc (09022015). Collection method: clinical testing. Allele origin: germline.
Comment: This variant is not present in population databases (gnomAD no frequency). In summary, the currently available evidence indicates that the variant is pathogenic, but additional data are needed to prove that conclusively. Therefore, this variant has been classified as Likely Pathogenic. Algorithms developed to predict the effect of sequence changes on RNA splicing suggest that this variant may disrupt the consensus splice site. Disruption of this splice site has been observed in individual(s) with intellectual disability (PMID: 26350204). This sequence change affects a donor splice site in intron 3 of the PQBP1 gene. It is expected to disrupt RNA splicing. Variants that disrupt the donor or acceptor splice site typically lead to a loss of protein function (PMID: 16199547), and loss-of-function variants in PQBP1 are known to be pathogenic (PMID: 20950397).

Greenwood Genetic Center Diagnostic Laboratories, Greenwood Genetic Center
Classification: Pathogenic for Renpenning syndrome. Review status: criteria provided, single submitter. Criteria: ACMG Guidelines, 2015. Collection method: research. Allele origin: germline. Affected: yes.

Literature cited by the submitters: PubMed 26350204 (cited by Labcorp Genetics (formerly Invitae), Labcorp); PubMed 16199547 (cited by Labcorp Genetics (formerly Invitae), Labcorp); PubMed 20950397 (cited by Labcorp Genetics (formerly Invitae), Labcorp).

NM_001032382.2(PQBP1):c.292+1G>A

Gene: PQBP1 (polyglutamine binding protein 1; plus strand). Cytogenetic location: Xp11.23.
Variant type: single nucleotide variant.
Coding change: c.292+1G>A on transcript NM_001032382.2 (MANE Select); the canonical splice donor site of the intron after coding-DNA position 292, G replaced by A.
Molecular consequence: splice donor variant. On other transcripts: intron variant (1).
Genome position (GRCh38, 1-based): chrX:48,902,043, G>A. VCF-style: chrX-48902043-G-A. GRCh37 (hg19) VCF-style: chrX-48759320-G-A.
Other names: c.292+1G>A (NM_001032383.2, NM_144495.3, NM_001032381.2 and 3 more transcripts); c.268+1G>A (NM_001167990.2); c.201+92G>A (NM_001167992.1).
Identifiers: ClinVar variation 1517778 (VCV001517778.8), dbSNP rs2147472456, ClinGen allele CA412889132.